The following is an entry in ClinVar:

ClinVar aggregate classification (germline): Benign/Likely benign. Review status: criteria provided, multiple submitters, no conflicts (2 of 4 stars). 5 submissions from 5 submitters: Benign (2); Likely benign (1). 2 of the submissions do not count toward it. Last evaluated 2026-07-01.

Allele frequency attached by ClinVar (database versions not stated): 1000 Genomes Project 0.00140; 1000 Genomes Project 30x 0.00156; gnomAD 0.00210 and 0.00218; TOPMed 0.00213; gnomAD exomes 0.00214 and 0.00248; ExAC 0.00249; ESP Exome Variant Server 0.00284.
gnomAD v4.1: 3,515 of 1,613,910 alleles (0.22%); highest among the groups gnomAD compares: Middle Eastern, 1.5%; 15 homozygotes.

Submissions (5):

CeGaT Center for Human Genetics Tuebingen
Classification: Likely benign. Last evaluated: 2026-07-01. Review status: criteria provided, single submitter. Criteria: CeGaT Center For Human Genetics Tuebingen Variant Classification Criteria Version 2. Collection method: clinical testing. Allele origin: germline. Affected: yes. Observed: 9 variant alleles.
Comment: FLT4: BP4, BP7

ARUP Laboratories, Molecular Genetics and Genomics, ARUP Laboratories
Classification: Benign. Last evaluated: 2023-11-09. Review status: criteria provided, single submitter. Criteria: ARUP Molecular Germline Variant Investigation Process 2024. Collection method: clinical testing. Allele origin: germline.

Labcorp Genetics (formerly Invitae), Labcorp
Classification: Benign. Last evaluated: 2019-12-31. Review status: criteria provided, single submitter. Criteria: Invitae Variant Classification Sherloc (09022015). Collection method: clinical testing. Allele origin: germline.

Clinical Genetics DNA and cytogenetics Diagnostics Lab, Erasmus MC, Erasmus Medical Center
Classification: Likely benign. Review status: no assertion criteria provided. Collection method: clinical testing. Allele origin: germline. Affected: yes. Study: VKGL Data-share Consensus. Not counted in ClinVar's aggregate classification.

Clinical Genetics, Academic Medical Center
Classification: Benign. Review status: no assertion criteria provided. Collection method: clinical testing. Allele origin: germline. Affected: yes. Study: VKGL Data-share Consensus. Not counted in ClinVar's aggregate classification.

NM_182925.5(FLT4):c.3681C>T (p.Ala1227=)

Gene: FLT4 (fms related receptor tyrosine kinase 4; minus strand). Cytogenetic location: 5q35.3.
Variant type: single nucleotide variant.
Coding change: c.3681C>T on transcript NM_182925.5 (MANE Select); coding-DNA position 3681, C replaced by T.
Protein change: p.Ala1227=; no amino-acid change (alanine 1227 retained).
Molecular consequence: synonymous variant.
Genome position (GRCh38, 1-based): chr5:180,611,336, G>A on the plus strand (C>T on the coding strand, the complement: FLT4 is on the minus strand). VCF-style: chr5-180611336-G-A. GRCh37 (hg19) VCF-style: chr5-180038336-G-A.
Other names: c.3681C>T, p.Ala1227= (NM_001354989.2, NM_002020.5).
Identifiers: ClinVar variation 701829 (VCV000701829.33), dbSNP rs140710164, ClinGen allele CA3605737.
Genomic context (GRCh38, chr5:180,611,336, plus strand): 5'-ACCTTGTCCACATGGCTTTCTCCCACCCTACTCCTGGACCTGCAGGACAGCTGACCTGGC[G>A]GCCAGGCTGTGGCGCTGCAGGCTTGGCGGGCTGTCCTCAGCGTCAGCCTGGGCGATGTGT-3'
Protein context (NP_891555.2, residues 1217-1237): SPPSLQRHSL[Ala1227=]ARYYNWVSFP